The following is an entry in ClinVar:

NM_001282874.2(SMARCA1):c.3068_3071del (p.Ile1023fs)

Gene: SMARCA1 (SNF2 related chromatin remodeling ATPase 1; minus strand). Cytogenetic location: Xq25.
Variant type: Microsatellite.
Coding change: c.3068_3071del on transcript NM_001282874.2 (MANE Select); coding-DNA positions 3068 to 3071, 4 bases deleted (TTGA; older notation c.3068_3071delTTGA).
Protein change: p.Ile1023fs; shifts the reading frame from isoleucine 1023.
Molecular consequence: frameshift variant.
Genome position (GRCh38, 1-based): chrX:129,448,403-129,448,406, TCAA deleted on the plus strand (TTGA on the coding strand, the reverse complement: SMARCA1 is on the minus strand); deleting any 4 consecutive bases within chrX:129,448,403-129,448,411 gives the same sequence; the c. name uses the placement nearest the transcript's 3' end. VCF-style (leftmost placement, unchanged base first): chrX-129448402-CTCAA-C. GRCh37 (hg19) VCF-style: chrX-128582379-CTCAA-C.
Other names: c.3068_3071del, p.Ile1023fs (NM_001378261.1, NM_003069.5); c.3032_3035del, p.Ile1011fs (NM_001378262.1, NM_001378263.1, NM_001378264.1 and 1 more transcripts); short protein forms I1011fs, I1023fs.
Identifiers: ClinVar variation 3899510 (VCV003899510.1).

ClinVar aggregate classification (germline): Uncertain significance (1 of 4 stars; one submission).

Submission:

GeneDx
Classification: Uncertain significance. Last evaluated: 2022-11-10. Review status: criteria provided, single submitter. Criteria: GeneDx Variant Classification Process June 2021. Collection method: clinical testing. Allele origin: germline. Affected: yes.
Comment: Frameshift variant predicted to result in protein truncation as the last 32 amino acids are replaced with 24 different amino acids, although loss-of-function variants have not been reported downstream of this position in the protein; Not observed at significant frequency in large population cohorts (gnomAD); Has not been previously published as pathogenic or benign to our knowledge; Variants in candidate genes are classified as variants of uncertain significance in accordance with ACMG guidelines (Richards et al., 2015)